The following is an entry in ClinVar:

ClinVar aggregate classification (germline): Uncertain significance (1 of 4 stars; one submission).

Submission:

Labcorp Genetics (formerly Invitae), Labcorp
Classification: Uncertain significance. Last evaluated: 2023-07-05. Review status: criteria provided, single submitter. Criteria: Invitae Variant Classification Sherloc (09022015). Collection method: clinical testing. Allele origin: germline.
Comment: In summary, the available evidence is currently insufficient to determine the role of this variant in disease. Therefore, it has been classified as a Variant of Uncertain Significance. Variants that disrupt the consensus splice site are a relatively common cause of aberrant splicing (PMID: 17576681, 9536098). Algorithms developed to predict the effect of sequence changes on RNA splicing suggest that this variant is not likely to affect RNA splicing. This variant has not been reported in the literature in individuals affected with DHX32-related conditions. This variant is not present in population databases (gnomAD no frequency). This sequence change falls in intron 8 of the DHX32 gene. It does not directly change the encoded amino acid sequence of the DHX32 protein. It affects a nucleotide within the consensus splice site.

Literature cited by the submitters: PubMed 17576681; PubMed 9536098.

NM_018180.3(DHX32):c.1693+6T>C

Genes: BCCIP (BRCA2 and CDKN1A interacting protein; plus strand), DHX32 (DEAH-box helicase 32 (putative); minus strand). Cytogenetic location: 10q26.2.
Variant type: single nucleotide variant.
Coding change: c.1693+6T>C on transcript NM_018180.3 (MANE Select); 6 bases into the intron after coding-DNA position 1693, T replaced by C.
Molecular consequence: intron variant.
Genome position (GRCh38, 1-based): chr10:125,840,841, A>G on the plus strand (T>C on the coding strand, the complement: DHX32 is on the minus strand). VCF-style: chr10-125840841-A-G. GRCh37 (hg19) VCF-style: chr10-127529410-A-G.
Other names: c.775-414A>G (NM_016567.4, NM_078469.3).
Identifiers: ClinVar variation 2735884 (VCV002735884.3), dbSNP rs2494378659, ClinGen allele CA2697558802.